The following is an entry in ClinVar:

NM_003060.4(SLC22A5):c.1595_1604dup (p.Pro536fs)

Gene: SLC22A5 (solute carrier family 22 member 5; plus strand). Cytogenetic location: 5q31.1.
Variant type: Duplication.
Coding change: c.1595_1604dup on transcript NM_003060.4 (MANE Select); coding-DNA positions 1595 to 1604, 10 bases duplicated (ACAGAAAAAC; older notation c.1595_1604dupACAGAAAAAC).
Protein change: p.Pro536fs; shifts the reading frame from proline 536.
Molecular consequence: frameshift variant.
Genome position (GRCh38, 1-based): chr5:132,394,193-132,394,202, ACAGAAAAAC duplicated; duplicating any 10 consecutive bases within chr5:132,394,189-132,394,202 gives the same sequence; the c. name uses the placement nearest the transcript's 3' end. VCF-style (leftmost placement, unchanged base first): chr5-132394188-G-GAAACACAGAA. GRCh37 (hg19) VCF-style: chr5-131729880-G-GAAACACAGAA.
Other names: c.1667_1676dup, p.Pro560fs (NM_001308122.2); short protein forms P536fs, P560fs.
Identifiers: ClinVar variation 203937 (VCV000203937.6), dbSNP rs796052040, ClinGen allele CA312975.

ClinVar aggregate classification (germline): Conflicting classifications of pathogenicity. Review status: criteria provided, conflicting classifications (1 of 4 stars). 3 submissions from 3 submitters: Pathogenic (1); Likely pathogenic (1); Uncertain significance (1). Last evaluated 2021-07-15.

Conditions:
Renal carnitine transport defect (CDSP). Also called: Carnitine Deficiency, Systemic; CARNITINE DEFICIENCY, SYSTEMIC, DUE TO DEFECT IN RENAL REABSORPTION OF CARNITINE; CARNITINE TRANSPORTER, PLASMA-MEMBRANE, DEFICIENCY OF; CARNITINE UPTAKE DEFECT; Carnitine transporter deficiency; Systemic primary carnitine deficiency disease. Identifiers: Orphanet 158, MedGen C0342788, MONDO:0008919, OMIM 212140.

Submissions (3):

Genome-Nilou Lab
Classification: Likely pathogenic for Renal carnitine transport defect. Last evaluated: 2021-07-15. Review status: criteria provided, single submitter. Criteria: ACMG Guidelines, 2015. Collection method: clinical testing. Allele origin: germline. Affected: no.

Labcorp Genetics (formerly Invitae), Labcorp
Classification: Uncertain significance for Renal carnitine transport defect. Last evaluated: 2020-05-06. Review status: criteria provided, single submitter. Criteria: Invitae Variant Classification Sherloc (09022015). Collection method: clinical testing. Allele origin: germline.
Comment: This sequence change results in a premature translational stop signal in the SLC22A5 gene (p.Pro536Glnfs*21). While this is not anticipated to result in nonsense mediated decay, it is expected to disrupt the last 22 amino acids of the SLC22A5 protein. This variant is not present in population databases (ExAC no frequency). This variant has not been reported in the literature in individuals with SLC22A5-related conditions. ClinVar contains an entry for this variant (Variation ID: 203937). Experimental studies and prediction algorithms are not available or were not evaluated, and the functional significance of this variant is currently unknown. In summary, the available evidence is currently insufficient to determine the role of this variant in disease. Therefore, it has been classified as a Variant of Uncertain Significance.

GeneDx
Classification: Pathogenic. Last evaluated: 2014-08-15. Review status: criteria provided, single submitter. Criteria: GeneDx Variant Classification (06012015). Collection method: clinical testing. Allele origin: germline. Affected: yes.
Comment: The c.1595_1604dupACAGAAAAAC, the normal sequence with the bases that are inserted in braces is: GAAAC{ACAGAAAAAC}TCCA. This mutation causes a frameshift starting with codon Proline 536, changes this amino acid to a Glutamine residue and creates a premature Stop codon at position 21 of the new reading frame, denoted p.Pro536GlnfsX21. This mutation is predicted to cause loss of normal protein function through protein truncation. Although this mutation has not been previously reported to our knowledge, it is expected to be a pathogenic mutation. The variant is found in SLC22A5 panel(s).